The following is an entry in ClinVar:

ClinVar aggregate classification (germline): Likely benign. Review status: criteria provided, single submitter (1 of 4 stars). 2 submissions from 2 submitters: Likely benign (1). 1 of the submissions does not count toward it. Last evaluated 2024-02-07.

Conditions:
ZFR-related disorder. Also called: ZFR-related condition.
Pure or complex autosomal recessive spastic paraplegia. Identifiers: Orphanet 320346, MedGen C5679887, MONDO:0017915.

Allele frequency attached by ClinVar (database versions not stated): gnomAD exomes 0.00007 and 0.00008; ExAC 0.00023; ESP Exome Variant Server 0.00043; gnomAD 0.00056 and 0.00061; TOPMed 0.00071; 1000 Genomes Project 30x 0.00078; 1000 Genomes Project 0.00080.

Submissions (2):

Labcorp Genetics (formerly Invitae), Labcorp
Classification: Likely benign for Pure or complex autosomal recessive spastic paraplegia. Last evaluated: 2024-02-07. Review status: criteria provided, single submitter. Criteria: Invitae Variant Classification Sherloc (09022015). Collection method: clinical testing. Allele origin: germline.

PreventionGenetics, part of Exact Sciences
Classification: Likely benign for ZFR-related condition. Last evaluated: 2019-03-06. Review status: no assertion criteria provided. Collection method: clinical testing. Allele origin: germline. Not counted in ClinVar's aggregate classification.
Comment: This variant is classified as likely benign based on ACMG/AMP sequence variant interpretation guidelines (Richards et al. 2015 PMID: 25741868, with internal and published modifications).

NM_016107.5(ZFR):c.38-8C>T

Gene: ZFR (zinc finger RNA binding protein; minus strand). Cytogenetic location: 5p13.3.
Variant type: single nucleotide variant.
Coding change: c.38-8C>T on transcript NM_016107.5 (MANE Select); 8 bases into the intron before coding-DNA position 38, C replaced by T.
Molecular consequence: intron variant.
Genome position (GRCh38, 1-based): chr5:32,444,336, G>A on the plus strand (C>T on the coding strand, the complement: ZFR is on the minus strand). VCF-style: chr5-32444336-G-A. GRCh37 (hg19) VCF-style: chr5-32444442-G-A.
Other names: c.38-8C>T (NM_016107.4).
Identifiers: ClinVar variation 1604627 (VCV001604627.10), dbSNP rs369007794, ClinGen allele CA3222133.